The following is an entry in ClinVar:

ClinVar aggregate classification (germline): Likely benign (1 of 4 stars; one submission).

gnomAD v4.1: 14 of 1,614,012 alleles (0.00087%); highest among the groups gnomAD compares: Admixed American, 0.0017%; no homozygotes.

Submission:

CeGaT Center for Human Genetics Tuebingen
Classification: Likely benign. Last evaluated: 2025-05-01. Review status: criteria provided, single submitter. Criteria: CeGaT Center For Human Genetics Tuebingen Variant Classification Criteria Version 2. Collection method: clinical testing. Allele origin: germline. Affected: yes. Observed: 1 variant allele.
Comment: FKBP10: BP4, BP7

NM_021939.4(FKBP10):c.951C>T (p.Ile317=)

Gene: FKBP10 (FKBP prolyl isomerase 10; plus strand). Cytogenetic location: 17q21.2.
Variant type: single nucleotide variant.
Coding change: c.951C>T on transcript NM_021939.4 (MANE Select); coding-DNA position 951, C replaced by T.
Protein change: p.Ile317=; no amino-acid change (isoleucine 317 retained).
Molecular consequence: synonymous variant.
Genome position (GRCh38, 1-based): chr17:41,819,563, C>T. VCF-style: chr17-41819563-C-T. GRCh37 (hg19) VCF-style: chr17-39975815-C-T.
Identifiers: ClinVar variation 3905989 (VCV003905989.10).